The following is an entry in ClinVar:

ClinVar aggregate classification (germline): Uncertain significance (1 of 4 stars; one submission).

gnomAD v4.1: 1 of 1,591,674 alleles (0.000063%); highest among the groups gnomAD compares: Non-Finnish European, 0.000085%; no homozygotes.

Submission:

Labcorp Genetics (formerly Invitae), Labcorp
Classification: Uncertain significance. Last evaluated: 2025-07-13. Review status: criteria provided, single submitter. Criteria: Invitae Variant Classification Sherloc (09022015). Collection method: clinical testing. Allele origin: germline.
Comment: This sequence change affects a donor splice site in intron 24 of the CACNA2D4 gene. It is expected to disrupt RNA splicing. Variants that disrupt the donor or acceptor splice site typically lead to a loss of protein function (PMID: 16199547), however the current clinical and genetic evidence is not sufficient to establish whether loss-of-function variants in CACNA2D4 cause disease. The frequency data for this variant in the population databases is considered unreliable, as metrics indicate poor data quality at this position in the gnomAD database. This variant has not been reported in the literature in individuals affected with CACNA2D4-related conditions. Algorithms developed to predict the effect of sequence changes on RNA splicing suggest that this variant may disrupt the consensus splice site. In summary, the available evidence is currently insufficient to determine the role of this variant in disease. Therefore, it has been classified as a Variant of Uncertain Significance.

Literature cited by the submitters: PubMed 16199547.

NM_172364.5(CACNA2D4):c.2342+1G>A

Gene: CACNA2D4 (calcium voltage-gated channel auxiliary subunit alpha2delta 4; minus strand). Cytogenetic location: 12p13.33.
Variant type: single nucleotide variant.
Coding change: c.2342+1G>A on transcript NM_172364.5 (MANE Select); the canonical splice donor site of the intron after coding-DNA position 2342, G replaced by A.
Molecular consequence: splice donor variant.
Genome position (GRCh38, 1-based): chr12:1,846,593, C>T on the plus strand (G>A on the coding strand, the complement: CACNA2D4 is on the minus strand). VCF-style: chr12-1846593-C-T. GRCh37 (hg19) VCF-style: chr12-1955759-C-T.
Identifiers: ClinVar variation 4697241 (VCV004697241.1).